The following is an entry in ClinVar:

NM_005121.3(MED13):c.3371G>A (p.Cys1124Tyr)

Gene: MED13 (mediator complex subunit 13; minus strand). Cytogenetic location: 17q23.2.
Variant type: single nucleotide variant.
Coding change: c.3371G>A on transcript NM_005121.3 (MANE Select); coding-DNA position 3371, G replaced by A.
Protein change: p.Cys1124Tyr; replaces cysteine 1124 with tyrosine.
Molecular consequence: missense variant.
Genome position (GRCh38, 1-based): chr17:61,982,632, C>T on the plus strand (G>A on the coding strand, the complement: MED13 is on the minus strand). VCF-style: chr17-61982632-C-T. GRCh37 (hg19) VCF-style: chr17-60059993-C-T.
Other names: short protein forms C1124Y.
Identifiers: ClinVar variation 4282399 (VCV004282399.1).

ClinVar aggregate classification (germline): Uncertain significance (1 of 4 stars; one submission).

Submission:

GeneDx
Classification: Uncertain significance. Last evaluated: 2025-04-08. Review status: criteria provided, single submitter. Criteria: GeneDx Variant Classification Process June 2021. Collection method: clinical testing. Allele origin: germline. Affected: yes.
Comment: Not observed at significant frequency in large population cohorts (gnomAD); In silico analysis supports that this missense variant has a deleterious effect on protein structure/function; Has not been previously published as pathogenic or benign to our knowledge